The following is an entry in ClinVar:

NM_000142.5(FGFR3):c.518G>A (p.Arg173His)

Gene: FGFR3 (fibroblast growth factor receptor 3; plus strand). Cytogenetic location: 4p16.3.
Variant type: single nucleotide variant.
Coding change: c.518G>A on transcript NM_000142.5 (MANE Select); coding-DNA position 518, G replaced by A.
Protein change: p.Arg173His; replaces arginine 173 with histidine.
Molecular consequence: missense variant. On other transcripts: non-coding transcript variant (1).
Genome position (GRCh38, 1-based): chr4:1,801,439, G>A. VCF-style: chr4-1801439-G-A. GRCh37 (hg19) VCF-style: chr4-1803166-G-A.
Other names: c.518G>A, p.Arg173His (NM_001163213.2, NM_001354809.2, NM_001354810.2 and 1 more transcripts); short protein forms R173H.
Identifiers: ClinVar variation 568057 (VCV000568057.6), dbSNP rs1441656357, ClinGen allele CA355975010.

ClinVar aggregate classification (germline): Uncertain significance. Review status: criteria provided, multiple submitters, no conflicts (2 of 4 stars). 2 submissions from 2 submitters: Uncertain significance (2). Last evaluated 2025-02-04.

Conditions:
FGFR3-related disorder. Also called: FGFR3-related disorders.

Allele frequency attached by ClinVar (database versions not stated): gnomAD exomes 0.00002 and 0.00004; gnomAD 0.00003; TOPMed 0.00003.
gnomAD v4.1: 34 of 1,552,596 alleles (0.0022%); highest among the groups gnomAD compares: Admixed American, 0.016%; no homozygotes.

Submissions (2):

Labcorp Genetics (formerly Invitae), Labcorp
Classification: Uncertain significance. Last evaluated: 2025-02-04. Review status: criteria provided, single submitter. Criteria: Invitae Variant Classification Sherloc (09022015). Collection method: clinical testing. Allele origin: germline.
Comment: This sequence change replaces arginine, which is basic and polar, with histidine, which is basic and polar, at codon 173 of the FGFR3 protein (p.Arg173His). The frequency data for this variant in the population databases is considered unreliable, as metrics indicate poor data quality at this position in the gnomAD database. This variant has not been reported in the literature in individuals affected with FGFR3-related conditions. ClinVar contains an entry for this variant (Variation ID: 568057). Invitae Evidence Modeling of protein sequence and biophysical properties (such as structural, functional, and spatial information, amino acid conservation, physicochemical variation, residue mobility, and thermodynamic stability) has been performed for this missense variant. However, the output from this modeling did not meet the statistical confidence thresholds required to predict the impact of this variant on FGFR3 protein function. In summary, the available evidence is currently insufficient to determine the role of this variant in disease. Therefore, it has been classified as a Variant of Uncertain Significance.

PreventionGenetics, part of Exact Sciences
Classification: Uncertain significance for FGFR3-related condition. Last evaluated: 2025-01-29. Review status: criteria provided, single submitter. Criteria: ACMG Guidelines, 2015. Collection method: clinical testing. Allele origin: germline.
Comment: The FGFR3 c.518G>A variant is predicted to result in the amino acid substitution p.Arg173His. To our knowledge, this variant has not been reported in the literature. This variant is reported in 0.020% of alleles in individuals of Latino descent in gnomAD. At this time, the clinical significance of this variant is uncertain due to the absence of conclusive functional and genetic evidence.